The following is an entry in ClinVar:

NM_007194.4(CHEK2):c.534A>G (p.Gly178=)

Gene: CHEK2 (checkpoint kinase 2; minus strand). Cytogenetic location: 22q12.1.
Variant type: single nucleotide variant.
Coding change: c.534A>G on transcript NM_007194.4 (MANE Select); coding-DNA position 534, A replaced by G.
Protein change: p.Gly178=; no amino-acid change (glycine 178 retained).
Molecular consequence: synonymous variant. On other transcripts: 5 prime UTR variant (2), intron variant (1).
Genome position (GRCh38, 1-based): chr22:28,725,035, T>C on the plus strand (A>G on the coding strand, the complement: CHEK2 is on the minus strand). VCF-style: chr22-28725035-T-C. GRCh37 (hg19) VCF-style: chr22-29121023-T-C.
Other names: c.663A>G, p.Gly221= (NM_001005735.3, NM_001438294.1); c.-244A>G (NM_001257387.3); c.-130A>G (NM_001437942.1); c.627A>G, p.Gly209= (NM_001438293.1, NM_001438295.1); c.534A>G, p.Gly178= (NM_145862.3); c.445-112A>G (NM_001349956.3).
Identifiers: ClinVar variation 483396 (VCV000483396.18), dbSNP rs554465930, ClinGen allele CA10167984.

ClinVar aggregate classification (germline): Benign/Likely benign. Review status: criteria provided, multiple submitters, no conflicts (2 of 4 stars). 3 submissions from 3 submitters: Benign (1); Likely benign (2). Last evaluated 2025-11-27.

Conditions:
Familial cancer of breast. Also called: BREAST CANCER, FAMILIAL; Hereditary breast cancer; hereditary breast carcinoma. Identifiers: Orphanet 227535, MedGen C0346153, MONDO:0016419, OMIM 114480. Disease mechanism: loss of function.
Hereditary cancer-predisposing syndrome. Also called: Neoplastic Syndromes, Hereditary; Tumor predisposition; Hereditary Cancer Syndrome; Hereditary neoplastic syndrome. Identifiers: Orphanet 140162, MedGen C0027672, MeSH D009386, MONDO:0015356.

Allele frequency attached by ClinVar (database versions not stated): gnomAD below 0.00001 and 0.00003; TOPMed 0.00001; 1000 Genomes Project 30x 0.00016; 1000 Genomes Project 0.00020.
gnomAD v4.1: 30 of 1,613,992 alleles (0.0019%); highest among the groups gnomAD compares: South Asian, 0.03%; no homozygotes.

Submissions (3):

Labcorp Genetics (formerly Invitae), Labcorp
Classification: Likely benign for Familial cancer of breast. Last evaluated: 2025-11-27. Review status: criteria provided, single submitter. Criteria: Invitae Variant Classification Sherloc (09022015). Collection method: clinical testing. Allele origin: germline.

Myriad Genetics, Inc.
Classification: Benign for Familial cancer of breast. Last evaluated: 2024-10-02. Review status: criteria provided, single submitter. Criteria: Myriad Autosomal Dominant, Autosomal Recessive and X-Linked Classification Criteria (2023). Collection method: clinical testing. Allele origin: unknown.
Comment: This variant is considered benign. This variant is a silent/synonymous amino acid change and it is not expected to impact splicing.

Ambry Genetics
Classification: Likely benign for Hereditary cancer-predisposing syndrome. Last evaluated: 2017-08-09. Review status: criteria provided, single submitter. Criteria: Ambry Variant Classification Scheme 2023. Collection method: clinical testing. Allele origin: germline.